The following is an entry in ClinVar:

NM_014712.3(SETD1A):c.988A>G (p.Thr330Ala)

Gene: SETD1A (SET domain containing 1A, histone lysine methyltransferase; plus strand). Cytogenetic location: 16p11.2.
Variant type: single nucleotide variant.
Coding change: c.988A>G on transcript NM_014712.3 (MANE Select); coding-DNA position 988, A replaced by G.
Protein change: p.Thr330Ala; replaces threonine 330 with alanine.
Molecular consequence: missense variant.
Genome position (GRCh38, 1-based): chr16:30,964,730, A>G. VCF-style: chr16-30964730-A-G. GRCh37 (hg19) VCF-style: chr16-30976051-A-G.
Other names: short protein forms T330A.
Identifiers: ClinVar variation 1698220 (VCV001698220.2), dbSNP rs2056111209, ClinGen allele CA395651918.

ClinVar aggregate classification (germline): Uncertain significance (1 of 4 stars; one submission).

Submission:

GeneDx
Classification: Uncertain significance. Last evaluated: 2022-01-24. Review status: criteria provided, single submitter. Criteria: GeneDx Variant Classification Process June 2021. Collection method: clinical testing. Allele origin: germline. Affected: yes.
Comment: Not observed at significant frequency in large population cohorts (gnomAD); In silico analysis supports that this missense variant does not alter protein structure/function; Has not been previously published as pathogenic or benign to our knowledge